The following is an entry in ClinVar:

NM_004304.5(ALK):c.3466T>G (p.Cys1156Gly)

Gene: ALK (ALK receptor tyrosine kinase; minus strand). Cytogenetic location: 2p23.2.
Variant type: single nucleotide variant.
Coding change: c.3466T>G on transcript NM_004304.5 (MANE Select); coding-DNA position 3466, T replaced by G.
Protein change: p.Cys1156Gly; replaces cysteine 1156 with glycine.
Molecular consequence: missense variant.
Genome position (GRCh38, 1-based): chr2:29,222,393, A>C on the plus strand (T>G on the coding strand, the complement: ALK is on the minus strand). VCF-style: chr2-29222393-A-C. GRCh37 (hg19) VCF-style: chr2-29445259-A-C.
Other names: c.262T>G, p.Cys88Gly (NM_001353765.2); short protein forms C1156G, C88G.
Identifiers: ClinVar variation 2848020 (VCV002848020.3), dbSNP rs2148168703, ClinGen allele CA346463245.

ClinVar aggregate classification (germline): Uncertain significance (1 of 4 stars; one submission).

Conditions:
Neuroblastoma, susceptibility to, 3. Also called: ALK-Related Neuroblastic Tumor Susceptibility. Identifiers: Orphanet 635, MedGen C2751681, MONDO:0013083, OMIM 613014.

Submission:

Labcorp Genetics (formerly Invitae), Labcorp
Classification: Uncertain significance for Neuroblastoma, susceptibility to, 3. Last evaluated: 2024-02-17. Review status: criteria provided, single submitter. Criteria: Invitae Variant Classification Sherloc (09022015). Collection method: clinical testing. Allele origin: germline.
Comment: This sequence change replaces cysteine, which is neutral and slightly polar, with glycine, which is neutral and non-polar, at codon 1156 of the ALK protein (p.Cys1156Gly). This variant is not present in population databases (gnomAD no frequency). This variant has not been reported in the literature in individuals affected with ALK-related conditions. An algorithm developed to predict the effect of missense changes on protein structure and function (PolyPhen-2) suggests that this variant is likely to be disruptive. In summary, the available evidence is currently insufficient to determine the role of this variant in disease. Therefore, it has been classified as a Variant of Uncertain Significance.